The following is an entry in ClinVar:

ClinVar aggregate classification (germline): Uncertain significance (1 of 4 stars; one submission).

Submission:

Labcorp Genetics (formerly Invitae), Labcorp
Classification: Uncertain significance. Last evaluated: 2022-05-08. Review status: criteria provided, single submitter. Criteria: Invitae Variant Classification Sherloc (09022015). Collection method: clinical testing. Allele origin: germline.
Comment: This variant, c.994_996del, results in the deletion of 1 amino acid(s) of the ASAH1 protein (p.Asp332del), but otherwise preserves the integrity of the reading frame. This variant is present in population databases (no rsID available, gnomAD 0.006%). This variant has not been reported in the literature in individuals affected with ASAH1-related conditions. Experimental studies and prediction algorithms are not available or were not evaluated, and the functional significance of this variant is currently unknown. Algorithms developed to predict the effect of sequence changes on RNA splicing suggest that this variant may create or strengthen a splice site. In summary, the available evidence is currently insufficient to determine the role of this variant in disease. Therefore, it has been classified as a Variant of Uncertain Significance.

NM_177924.5(ASAH1):c.991GAT[1] (p.Asp332del)

Gene: ASAH1 (N-acylsphingosine amidohydrolase 1; minus strand). Cytogenetic location: 8p22.
Variant type: Microsatellite.
Coding change: c.991GAT[1] on transcript NM_177924.5 (MANE Select); one copy of the 3-base unit GAT starting at c.991; the reference has two copies in a row; one copy, 3 bases deleted.
Protein change: p.Asp332del; deletes aspartic acid 332.
Molecular consequence: inframe deletion.
Genome position (GRCh38, 1-based): chr8:18,059,386-18,059,388, ATC deleted on the plus strand (GAT on the coding strand, the reverse complement: ASAH1 is on the minus strand); deleting any 3 consecutive bases within chr8:18,059,386-18,059,392 gives the same sequence; the position shown is the placement nearest the transcript's 3' end. VCF-style (leftmost placement, unchanged base first): chr8-18059385-GATC-G. GRCh37 (hg19) VCF-style: chr8-17916894-GATC-G.
Other names: c.973GAT[1], p.Asp326del (NM_001127505.3); c.796GAT[1], p.Asp267del (NM_001363743.2); c.1039GAT[1], p.Asp348del (NM_004315.6); short protein forms D326del, D348del, D267del, D332del.
Identifiers: ClinVar variation 1515306 (VCV001515306.5), dbSNP rs1564535453, ClinGen allele CA580501786.